The following is an entry in ClinVar:

NM_001197104.2(KMT2A):c.10591C>T (p.Pro3531Ser)

Gene: KMT2A (lysine methyltransferase 2A; plus strand). Cytogenetic location: 11q23.3.
Variant type: single nucleotide variant.
Coding change: c.10591C>T on transcript NM_001197104.2 (MANE Select); coding-DNA position 10591, C replaced by T.
Protein change: p.Pro3531Ser; replaces proline 3531 with serine.
Molecular consequence: missense variant.
Genome position (GRCh38, 1-based): chr11:118,506,483, C>T. VCF-style: chr11-118506483-C-T. GRCh37 (hg19) VCF-style: chr11-118377198-C-T.
Other names: c.10681C>T, p.Pro3561Ser (NM_001412597.1); c.10582C>T, p.Pro3528Ser (NM_005933.4); short protein forms P3531S, P3528S, P3561S.
Identifiers: ClinVar variation 4044425 (VCV004044425.2).

ClinVar aggregate classification (germline): Uncertain significance. Review status: criteria provided, multiple submitters, no conflicts (2 of 4 stars). 2 submissions from 2 submitters: Uncertain significance (2). Last evaluated 2026-01-27.

Conditions:
Inborn genetic diseases. Identifiers: MedGen C0950123, MeSH D030342.

gnomAD v4.1: 1 of 1,614,074 alleles (0.000062%); highest among the groups gnomAD compares: Admixed American, 0.0017%; no homozygotes.

Submissions (2):

Labcorp Genetics (formerly Invitae), Labcorp
Classification: Uncertain significance. Last evaluated: 2026-01-27. Review status: criteria provided, single submitter. Criteria: Invitae Variant Classification Sherloc (09022015). Collection method: clinical testing. Allele origin: germline.
Comment: This sequence change replaces proline, which is neutral and non-polar, with serine, which is neutral and polar, at codon 3531 of the KMT2A protein (p.Pro3531Ser). This variant is not present in population databases (gnomAD no frequency). This variant has not been reported in the literature in individuals affected with KMT2A-related conditions. ClinVar contains an entry for this variant (Variation ID: 4044425). Invitae Evidence Modeling of protein sequence and biophysical properties (such as structural, functional, and spatial information, amino acid conservation, physicochemical variation, residue mobility, and thermodynamic stability) indicates that this missense variant is not expected to disrupt KMT2A protein function with a negative predictive value of 95%. In summary, the available evidence is currently insufficient to determine the role of this variant in disease. Therefore, it has been classified as a Variant of Uncertain Significance.

Ambry Genetics
Classification: Uncertain significance for Inborn genetic diseases. Last evaluated: 2025-05-15. Review status: criteria provided, single submitter. Criteria: Ambry Variant Classification Scheme 2023. Collection method: clinical testing. Allele origin: germline.